The following is an entry in ClinVar:

ClinVar aggregate classification (germline): Likely benign. Review status: criteria provided, single submitter (1 of 4 stars). 2 submissions from 2 submitters: Likely benign (1). 1 of the submissions does not count toward it. Last evaluated 2025-07-16.

Conditions:
POLG2-related disorder. Also called: POLG2-related condition; POLG2-related disorders.

Allele frequency attached by ClinVar (database versions not stated): gnomAD exomes below 0.00001.
gnomAD v4.1: 6 of 1,614,070 alleles (0.00037%); highest among the groups gnomAD compares: Non-Finnish European, 0.00051%; no homozygotes.

Submissions (2):

Labcorp Genetics (formerly Invitae), Labcorp
Classification: Likely benign. Last evaluated: 2025-07-16. Review status: criteria provided, single submitter. Criteria: Invitae Variant Classification Sherloc (09022015). Collection method: clinical testing. Allele origin: germline.

PreventionGenetics, part of Exact Sciences
Classification: Likely benign for POLG2-related condition. Last evaluated: 2020-02-26. Review status: no assertion criteria provided. Collection method: clinical testing. Allele origin: germline. Not counted in ClinVar's aggregate classification.
Comment: This variant is classified as likely benign based on ACMG/AMP sequence variant interpretation guidelines (Richards et al. 2015 PMID: 25741868, with internal and published modifications).

NM_007215.4(POLG2):c.597G>C (p.Leu199=)

Genes: MILR1 (mast cell immunoglobulin like receptor 1; plus strand), POLG2 (DNA polymerase gamma 2, accessory subunit; minus strand). Cytogenetic location: 17q23.3.
Variant type: single nucleotide variant.
Coding change: c.597G>C on transcript NM_007215.4 (MANE Select); coding-DNA position 597, G replaced by C.
Protein change: p.Leu199=; no amino-acid change (leucine 199 retained).
Molecular consequence: synonymous variant.
Genome position (GRCh38, 1-based): chr17:64,492,987, C>G on the plus strand (G>C on the coding strand, the complement: POLG2 is on the minus strand). VCF-style: chr17-64492987-C-G. GRCh37 (hg19) VCF-style: chr17-62489104-C-G.
Other names: c.597G>C (NM_007215.3).
Identifiers: ClinVar variation 2793068 (VCV002793068.5), dbSNP rs2509552155, ClinGen allele CA501458678.